The following is an entry in ClinVar:

NM_003579.4(RAD54L):c.308C>G (p.Ala103Gly)

Gene: RAD54L (RAD54 like; plus strand). Cytogenetic location: 1p34.1.
Variant type: single nucleotide variant.
Coding change: c.308C>G on transcript NM_003579.4 (MANE Select); coding-DNA position 308, C replaced by G.
Protein change: p.Ala103Gly; replaces alanine 103 with glycine.
Molecular consequence: missense variant. On other transcripts: 5 prime UTR variant (1).
Genome position (GRCh38, 1-based): chr1:46,260,000, C>G. VCF-style: chr1-46260000-C-G. GRCh37 (hg19) VCF-style: chr1-46725672-C-G.
Other names: c.308C>G, p.Ala103Gly (NM_001142548.2); c.-233C>G (NM_001370766.1); short protein forms A103G.
Identifiers: ClinVar variation 1727432 (VCV001727432.2), dbSNP rs2148286963, ClinGen allele CA340181891.
Genomic context (GRCh38, chr1:46,260,000, plus strand): 5'-GACGGAATGATTATTGGTTTGTAGGTCCTCTGGGCTCTCGAGCATTGGGCCTGAAAAGGG[C>G]TGGGGTCCGCCGGGCCCTCCATGACCCCCTGGAAAAAGATGCCTTGGTTCTGTATGAGCC-3'
Protein context (NP_003570.2, residues 93-113): LGSRALGLKR[Ala103Gly]GVRRALHDPL

ClinVar aggregate classification (germline): Uncertain significance (1 of 4 stars; one submission).

Submission:

Ambry Genetics
Classification: Uncertain significance. Last evaluated: 2021-09-02. Review status: criteria provided, single submitter. Criteria: Ambry Variant Classification Scheme 2023. Collection method: clinical testing. Allele origin: germline.
Comment: The p.A103G variant (also known as c.308C>G), located in coding exon 5 of the RAD54L gene, results from a C to G substitution at nucleotide position 308. The alanine at codon 103 is replaced by glycine, an amino acid with similar properties. This amino acid position is conserved. In addition, this alteration is predicted to be tolerated by in silico analysis. Since supporting evidence is limited at this time, the clinical significance of this alteration remains unclear.